The following is an entry in ClinVar:

GRCh38/hg38 16p13.12-13.11(chr16:14686785-16450432)x1

Genes: ABCC1 (ATP binding cassette subfamily C member 1 (ABCC1 blood group); plus strand), ABCC6 (ATP binding cassette subfamily C member 6; minus strand), BMERB1 (bMERB domain containing 1; plus strand), CEP20 (centrosomal protein 20; minus strand), MARF1 (meiosis regulator and mRNA stability factor 1; minus strand) and 54 more. Cytogenetic location: 16p13.12-13.11.
Variant type: copy number loss.
Change: copy number 1 (one copy instead of two) of chr16:14,686,785-16,450,432 (1.76 Mb, GRCh38 coordinates, 1-based), cytogenetic band 16p13.12-13.11.
Identifiers: ClinVar variation 4796138 (VCV004796138.1).

ClinVar aggregate classification (germline): Uncertain significance (1 of 4 stars; one submission).

Submission:

Medical Genetic Center, Changzhi Maternal and Child Health Care Hospital
Classification: Uncertain significance. Last evaluated: 2025-12-10. Review status: criteria provided, single submitter. Criteria: ACMG/ClinGen CNV Guidelines, 2019. Collection method: clinical testing. Allele origin: unknown.
Comment: 16p13.11 recurrent region (BP2-BP3) (includes MYH11) (HI=2)